The following is an entry in ClinVar:

ClinVar aggregate classification (germline): Uncertain significance (1 of 4 stars; one submission).

Conditions:
Cardiovascular phenotype. Identifiers: MedGen CN230736.

Submission:

Ambry Genetics
Classification: Uncertain significance for Cardiovascular phenotype. Last evaluated: 2024-01-05. Review status: criteria provided, single submitter. Criteria: Ambry Variant Classification Scheme 2023. Collection method: clinical testing. Allele origin: germline.
Comment: The c.5595_5597dupGGT variant (also known as p.V1866dup), located in coding exon 26 of the TTN gene, results from an in-frame duplication of GGT at nucleotide positions 5595 to 5597. This results in the duplication of an extra residue between codons 1866 and 1867. This amino acid position is well conserved in available vertebrate species. In addition, this alteration is predicted to be deleterious by in silico analysis (Choi Y et al. PLoS ONE. 2012; 7(10):e46688). Since supporting evidence is limited at this time, the clinical significance of this alteration remains unclear.

NM_001267550.2(TTN):c.5733_5735dup (p.Val1912_Thr1913insVal)

Gene: TTN (titin; minus strand). Cytogenetic location: 2q31.2.
Variant type: Duplication.
Coding change: c.5733_5735dup on transcript NM_001267550.2 (MANE Select); coding-DNA positions 5733 to 5735, 3 bases duplicated (GGT; older notation c.5733_5735dupGGT).
Protein change: p.Val1912_Thr1913insVal.
Molecular consequence: inframe insertion.
Genome position (GRCh38, 1-based): chr2:178,776,129-178,776,131, ACC duplicated on the plus strand (GGT on the coding strand, the reverse complement: TTN is on the minus strand). VCF-style (leftmost placement, unchanged base first): chr2-178776128-G-GACC. GRCh37 (hg19) VCF-style: chr2-179640855-G-GACC.
Other names: c.5733_5735dup, p.Val1912_Thr1913insVal (NM_001256850.1, NM_133378.4, NM_133379.5); c.5595_5597dup, p.Val1866_Thr1867insVal (NM_003319.4, NM_133432.3, NM_133437.4); c.5595_5597dupGGT (NM_003319.4).
Identifiers: ClinVar variation 3223308 (VCV003223308.1), dbSNP rs2532854651, ClinGen allele CA2825001052.